The following is an entry in ClinVar:

NM_004006.3(DMD):c.4561A>G (p.Met1521Val)

Gene: DMD (dystrophin; minus strand). Cytogenetic location: Xp21.1.
Variant type: single nucleotide variant.
Coding change: c.4561A>G on transcript NM_004006.3 (MANE Select); coding-DNA position 4561, A replaced by G.
Protein change: p.Met1521Val; replaces methionine 1521 with valine.
Molecular consequence: missense variant.
Genome position (GRCh38, 1-based): chrX:32,386,423, T>C on the plus strand (A>G on the coding strand, the complement: DMD is on the minus strand). VCF-style: chrX-32386423-T-C. GRCh37 (hg19) VCF-style: chrX-32404540-T-C.
Other names: c.4537A>G, p.Met1513Val (NM_000109.4); c.4549A>G, p.Met1517Val (NM_004009.3); c.4192A>G, p.Met1398Val (NM_004010.3); c.538A>G, p.Met180Val (NM_004011.4); c.529A>G, p.Met177Val (NM_004012.4); short protein forms M1521V, M177V, M1513V, M180V, M1398V, M1517V.
Identifiers: ClinVar variation 455900 (VCV000455900.10), dbSNP rs757350813, ClinGen allele CA10378919.

ClinVar aggregate classification (germline): Conflicting classifications of pathogenicity. Review status: criteria provided, conflicting classifications (1 of 4 stars). 4 submissions from 4 submitters: Uncertain significance (2); Likely benign (1). 1 of the submissions does not count toward it. Last evaluated 2025-01-27.

Conditions:
Becker muscular dystrophy (BMD). Also called: MUSCULAR DYSTROPHY, PSEUDOHYPERTROPHIC PROGRESSIVE, BECKER TYPE; Becker Muscular Dystrophy (BMD). Identifiers: Orphanet 98895, MedGen C0917713, MONDO:0010311, OMIM 300376.
Cardiomyopathy (CMYO). Also called: Cardiomyopathies. Identifiers: Orphanet 167848, MedGen C0878544, MONDO:0004994, HP:0001638. Inheritance: Various modes of inheritance.
Duchenne muscular dystrophy (DMD). Also called: MUSCULAR DYSTROPHY, PSEUDOHYPERTROPHIC PROGRESSIVE, DUCHENNE TYPE; Duchenne Muscular Dystrophy (DMD). Identifiers: Orphanet 98896, MedGen C0013264, MONDO:0010679, OMIM 310200.
Dystrophin deficiency.
Cardiovascular phenotype. Identifiers: MedGen CN230736.

Allele frequency attached by ClinVar (database versions not stated): gnomAD exomes below 0.00001; ExAC 0.00001; gnomAD 0.00001.

Submissions (4):

Labcorp Genetics (formerly Invitae), Labcorp
Classification: Uncertain significance for Duchenne muscular dystrophy. Last evaluated: 2025-01-27. Review status: criteria provided, single submitter. Criteria: Invitae Variant Classification Sherloc (09022015). Collection method: clinical testing. Allele origin: germline.
Comment: This sequence change replaces methionine, which is neutral and non-polar, with valine, which is neutral and non-polar, at codon 1521 of the DMD protein (p.Met1521Val). This variant is present in population databases (rs757350813, gnomAD 0.01%). This variant has not been reported in the literature in individuals affected with DMD-related conditions. ClinVar contains an entry for this variant (Variation ID: 455900). Invitae Evidence Modeling of protein sequence and biophysical properties (such as structural, functional, and spatial information, amino acid conservation, physicochemical variation, residue mobility, and thermodynamic stability) indicates that this missense variant is not expected to disrupt DMD protein function with a negative predictive value of 95%. In summary, the available evidence is currently insufficient to determine the role of this variant in disease. Therefore, it has been classified as a Variant of Uncertain Significance.

Ambry Genetics
Classification: Likely benign for Cardiovascular phenotype. Last evaluated: 2024-05-10. Review status: criteria provided, single submitter. Criteria: Ambry Variant Classification Scheme 2023. Collection method: clinical testing. Allele origin: germline.

Eurofins Ntd Llc (ga)
Classification: Uncertain significance. Last evaluated: 2016-12-05. Review status: criteria provided, single submitter. Criteria: EGL Classification Definitions 2015. Collection method: clinical testing. Allele origin: germline. Observed: 1 variant allele, 1 hemizygote.

Natera, Inc.
Classification: Uncertain significance for Becker muscular dystrophy; Cardiomyopathy; Duchenne muscular dystrophy; Dystrophin deficiency. Last evaluated: 2020-11-25. Review status: no assertion criteria provided. Collection method: clinical testing. Allele origin: germline. Not counted in ClinVar's aggregate classification.